The following is an entry in ClinVar:

ClinVar aggregate classification (germline): Uncertain significance (1 of 4 stars; one submission).

Allele frequency attached by ClinVar (database versions not stated): ExAC 0.00001.

Submission:

CeGaT Center for Human Genetics Tuebingen
Classification: Uncertain significance. Last evaluated: 2024-02-01. Review status: criteria provided, single submitter. Criteria: CeGaT Center For Human Genetics Tuebingen Variant Classification Criteria Version 2. Collection method: clinical testing. Allele origin: germline. Affected: yes. Observed: 1 variant allele.
Comment: ST14: PM2, BP4

NM_021978.4(ST14):c.188T>A (p.Ile63Asn)

Gene: ST14 (ST14 transmembrane serine protease matriptase; plus strand). Cytogenetic location: 11q24.3.
Variant type: single nucleotide variant.
Coding change: c.188T>A on transcript NM_021978.4 (MANE Select); coding-DNA position 188, T replaced by A.
Protein change: p.Ile63Asn; replaces isoleucine 63 with asparagine.
Molecular consequence: missense variant.
Genome position (GRCh38, 1-based): chr11:130,188,220, T>A. VCF-style: chr11-130188220-T-A. GRCh37 (hg19) VCF-style: chr11-130058115-T-A.
Other names: short protein forms I63N.
Identifiers: ClinVar variation 3026202 (VCV003026202.22), dbSNP rs746515599, ClinGen allele CA6363429.